The following is an entry in ClinVar:

ClinVar aggregate classification (germline): Benign. Review status: criteria provided, multiple submitters, no conflicts (2 of 4 stars). 3 submissions from 3 submitters: Benign (3). Last evaluated 2026-01-22.

Conditions:
Predisposition to invasive fungal disease due to CARD9 deficiency (IMD103). Also called: CARD9 IMMUNODEFICIENCY; Candidiasis, familial, 2, autosomal recessive; IMMUNODEFICIENCY 103, SUSCEPTIBILITY TO FUNGAL INFECTIONS. Identifiers: Orphanet 457088, MedGen C1859353, MONDO:0008905, OMIM 212050.

Allele frequency attached by ClinVar (database versions not stated): gnomAD exomes 0.00114 and 0.00281; ExAC 0.00397; 1000 Genomes Project 30x 0.00968; 1000 Genomes Project 0.00998; ESP Exome Variant Server 0.01125; gnomAD 0.01156 and 0.01248; TOPMed 0.01248.
gnomAD v4.1: 3,467 of 1,609,816 alleles (0.22%); highest among the groups gnomAD compares: African/African-American, 4%; 66 homozygotes.

Submissions (3):

Labcorp Genetics (formerly Invitae), Labcorp
Classification: Benign for Predisposition to invasive fungal disease due to CARD9 deficiency. Last evaluated: 2026-01-22. Review status: criteria provided, single submitter. Criteria: Invitae Variant Classification Sherloc (09022015). Collection method: clinical testing. Allele origin: germline.

Illumina Laboratory Services, Illumina
Classification: Benign for Predisposition to invasive fungal disease due to CARD9 deficiency. Last evaluated: 2018-01-12. Review status: criteria provided, single submitter. Criteria: ICSL Variant Classification Criteria 13 December 2019. Collection method: clinical testing. Allele origin: germline.
Comment: This variant was observed in the ICSL laboratory as part of a predisposition screen in an ostensibly healthy population. It had not been previously curated by ICSL or reported in the Human Gene Mutation Database (HGMD: prior to June 1st, 2018), and was therefore a candidate for classification through an automated scoring system. Utilizing variant allele frequency, disease prevalence and penetrance estimates, and inheritance mode, an automated score was calculated to assess if this variant is too frequent to cause the disease. Based on the score and internal cut-off values, a variant classified as benign is not then subjected to further curation. The score for this variant resulted in a classification of benign for this disease.

Breakthrough Genomics
Classification: Benign. Review status: criteria provided, single submitter. Criteria: ACMG Guidelines, 2015. Collection method: not provided. Allele origin: germline. Inheritance: Autosomal recessive inheritance. Affected: yes.

NM_052813.5(CARD9):c.870G>A (p.Ala290=)

Gene: CARD9 (caspase recruitment domain family member 9; minus strand). Cytogenetic location: 9q34.3.
Variant type: single nucleotide variant.
Coding change: c.870G>A on transcript NM_052813.5 (MANE Select); coding-DNA position 870, G replaced by A.
Protein change: p.Ala290=; no amino-acid change (alanine 290 retained).
Molecular consequence: synonymous variant.
Genome position (GRCh38, 1-based): chr9:136,370,375, C>T on the plus strand (G>A on the coding strand, the complement: CARD9 is on the minus strand). VCF-style: chr9-136370375-C-T. GRCh37 (hg19) VCF-style: chr9-139264827-C-T.
Other names: c.870G>A, p.Ala290= (NM_052814.4).
Identifiers: ClinVar variation 365843 (VCV000365843.16), dbSNP rs115057256, ClinGen allele CA5332948.